The following is an entry in ClinVar:

NM_007194.4(CHEK2):c.1515del (p.Thr506fs)

Gene: CHEK2 (checkpoint kinase 2; minus strand). Cytogenetic location: 22q12.1.
Variant type: Deletion.
Coding change: c.1515del on transcript NM_007194.4 (MANE Select); coding-DNA position 1515, one base deleted (C; older notation c.1515delC).
Protein change: p.Thr506fs; shifts the reading frame from threonine 506.
Molecular consequence: frameshift variant.
Genome position (GRCh38, 1-based): chr22:28,689,162, G deleted on the plus strand (C on the coding strand, the reverse complement: CHEK2 is on the minus strand); the first of 2 consecutive G bases (chr22:28,689,162-28,689,163); deleting either gives the same sequence. VCF-style (leftmost placement, unchanged base first): chr22-28689161-TG-T. GRCh37 (hg19) VCF-style: chr22-29085149-TG-T.
Other names: c.1557del, p.Thr520fs (NM_001438294.1); c.1521del, p.Thr508fs (NM_001438295.1); c.1428del, p.Thr477fs (NM_145862.3); c.852del, p.Thr285fs (NM_001437942.1, NM_001257387.3); c.1608del, p.Thr537fs (NM_001438293.1); c.1644del, p.Thr549fs (NM_001005735.3); c.1314del, p.Thr439fs (NM_001349956.3); short protein forms T285fs, T506fs, T520fs, T537fs, T549fs, T508fs, T439fs, T477fs.
Identifiers: ClinVar variation 4227997 (VCV004227997.1).

ClinVar aggregate classification (germline): Likely pathogenic (1 of 4 stars; one submission).

Conditions:
Hereditary cancer-predisposing syndrome. Also called: Hereditary Cancer Syndrome; Hereditary neoplastic syndrome; Neoplastic Syndromes, Hereditary; Tumor predisposition. Identifiers: Orphanet 140162, MedGen C0027672, MeSH D009386, MONDO:0015356.

Submission:

Ambry Genetics
Classification: Likely pathogenic for Hereditary cancer-predisposing syndrome. Last evaluated: 2025-07-07. Review status: criteria provided, single submitter. Criteria: Ambry Variant Classification Scheme 2023. Collection method: clinical testing. Allele origin: germline.
Comment: The c.1515delC variant, located in coding exon 13 of the CHEK2 gene, results from a deletion of one nucleotide at nucleotide position 1515, causing a translational frameshift with a predicted alternate stop codon (p.T506Qfs*7). This alteration occurs at the 3' terminus of theCHEK2 gene, is not expected to trigger nonsense-mediated mRNA decay, and impacts the last 5.9% of the protein. However, premature stop codons are typically deleterious in nature, the impacted region is critical for protein function and a significant portion of the protein is affected (Ambry internal data; Zannini L et al. J. Biol. Chem. 2003 Oct;278:42346-51). This variant is considered to be rare based on population cohorts in the Genome Aggregation Database (gnomAD). Based on the majority of available evidence to date, this variant is likely to be pathogenic.